The following is an entry in ClinVar:

NM_001042492.3(NF1):c.8230C>T (p.Pro2744Ser)

Gene: NF1 (neurofibromin 1; plus strand). Cytogenetic location: 17q11.2.
Variant type: single nucleotide variant.
Coding change: c.8230C>T on transcript NM_001042492.3 (MANE Select); coding-DNA position 8230, C replaced by T.
Protein change: p.Pro2744Ser; replaces proline 2744 with serine.
Molecular consequence: missense variant.
Genome position (GRCh38, 1-based): chr17:31,360,556, C>T. VCF-style: chr17-31360556-C-T. GRCh37 (hg19) VCF-style: chr17-29687574-C-T.
Other names: c.8167C>T, p.Pro2723Ser (NM_000267.4); short protein forms P2744S, P2723S.
Identifiers: ClinVar variation 1762246 (VCV001762246.3), dbSNP rs2070374568, ClinGen allele CA399204606.

ClinVar aggregate classification (germline): Uncertain significance. Review status: criteria provided, multiple submitters, no conflicts (2 of 4 stars). 2 submissions from 2 submitters: Uncertain significance (2). Last evaluated 2024-04-29.

Conditions:
Café-au-lait macules with pulmonary stenosis (WTSN). Also called: PULMONIC STENOSIS WITH CAFE-AU-LAIT SPOTS. Identifiers: MedGen C0553586, MONDO:0008672, OMIM 193520.
Juvenile myelomonocytic leukemia (JMML). Also called: LEUKEMIA, JUVENILE MYELOMONOCYTIC, SOMATIC. Identifiers: Orphanet 86834, MedGen C0349639, MONDO:0011908, OMIM 607785, HP:0012209.
Neurofibromatosis-Noonan syndrome (NFNS). Also called: NEUROFIBROMATOSIS WITH NOONAN PHENOTYPE. Identifiers: Orphanet 638, MedGen C2931482, MONDO:0011035, OMIM 601321. Disease mechanism: loss of function.
Neurofibromatosis, type 1 (NF1). Also called: Peripheral type neurofibromatosis; VON RECKLINGHAUSEN DISEASE; NEUROFIBROMATOSIS, TYPE I, SOMATIC; Neurofibromatosis, type I. Identifiers: Orphanet 636, MedGen C0027831, MONDO:0018975, OMIM 162200. Disease mechanism: loss of function.
Neurofibromatosis, familial spinal (FSNF). Identifiers: Orphanet 636, MedGen C1834235, MONDO:0008078, OMIM 162210. Disease mechanism: loss of function.
Cardiovascular phenotype. Identifiers: MedGen CN230736.
Hereditary cancer-predisposing syndrome. Also called: Neoplastic Syndromes, Hereditary; Tumor predisposition; Hereditary neoplastic syndrome; Hereditary Cancer Syndrome. Identifiers: Orphanet 140162, MedGen C0027672, MeSH D009386, MONDO:0015356.

Allele frequency attached by ClinVar (database versions not stated): TOPMed below 0.00001.

Submissions (2):

Fulgent Genetics
Classification: Uncertain significance for Neurofibromatosis, type 1; Neurofibromatosis, familial spinal; Café-au-lait macules with pulmonary stenosis; Neurofibromatosis-Noonan syndrome; Juvenile myelomonocytic leukemia. Last evaluated: 2024-04-29. Review status: criteria provided, single submitter. Criteria: ACMG Guidelines, 2015. Collection method: clinical testing. Allele origin: germline.

Ambry Genetics
Classification: Uncertain significance for Cardiovascular phenotype; Hereditary cancer-predisposing syndrome. Last evaluated: 2020-03-02. Review status: criteria provided, single submitter. Criteria: Ambry Variant Classification Scheme 2023. Collection method: clinical testing. Allele origin: germline.
Comment: The p.P2723S variant (also known as c.8167C>T), located in coding exon 56 of the NF1 gene, results from a C to T substitution at nucleotide position 8167. The proline at codon 2723 is replaced by serine, an amino acid with similar properties. This amino acid position is highly conserved in available vertebrate species. In addition, this alteration is predicted to be tolerated by in silico analysis. Since supporting evidence is limited at this time, the clinical significance of this alteration remains unclear.